The following is an entry in ClinVar:

NM_015378.4(VPS13D):c.10862C>T (p.Ala3621Val)

Gene: VPS13D (vacuolar protein sorting 13 homolog D; plus strand). Cytogenetic location: 1p36.22.
Variant type: single nucleotide variant.
Coding change: c.10862C>T on transcript NM_015378.4 (MANE Select); coding-DNA position 10862, C replaced by T.
Protein change: p.Ala3621Val; replaces alanine 3621 with valine.
Molecular consequence: missense variant.
Genome position (GRCh38, 1-based): chr1:12,373,803, C>T. VCF-style: chr1-12373803-C-T. GRCh37 (hg19) VCF-style: chr1-12433858-C-T.
Other names: c.10862C>T (NM_015378.2); c.10787C>T, p.Ala3596Val (NM_018156.4); short protein forms A3596V, A3621V.
Identifiers: ClinVar variation 3342400 (VCV003342400.3).

ClinVar aggregate classification (germline): Uncertain significance. Review status: criteria provided, multiple submitters, no conflicts (2 of 4 stars). 2 submissions from 2 submitters: Uncertain significance (2). Last evaluated 2026-02-08.

Conditions:
Inborn genetic diseases. Identifiers: MedGen C0950123, MeSH D030342.

gnomAD v4.1: 8 of 1,604,088 alleles (0.0005%); highest among the groups gnomAD compares: Middle Eastern, 0.017%; no homozygotes.

Submissions (2):

GeneDx
Classification: Uncertain significance. Last evaluated: 2026-02-08. Review status: criteria provided, single submitter. Criteria: GeneDx Variant Classification Process June 2021. Collection method: clinical testing. Allele origin: germline.
Comment: In silico analysis supports that this missense variant has a deleterious effect on protein structure/function; Has not been previously published as pathogenic or benign to our knowledge

Ambry Genetics
Classification: Uncertain significance for Inborn genetic diseases. Last evaluated: 2024-11-24. Review status: criteria provided, single submitter. Criteria: Ambry Variant Classification Scheme 2023. Collection method: clinical testing. Allele origin: germline.